The following is an entry in ClinVar:

NM_003803.4(MYOM1):c.2173G>C (p.Glu725Gln)

Gene: MYOM1 (myomesin 1; minus strand). Cytogenetic location: 18p11.31.
Variant type: single nucleotide variant.
Coding change: c.2173G>C on transcript NM_003803.4 (MANE Select); coding-DNA position 2173, G replaced by C.
Protein change: p.Glu725Gln; replaces glutamic acid 725 with glutamine.
Molecular consequence: missense variant.
Genome position (GRCh38, 1-based): chr18:3,135,583, C>G on the plus strand (G>C on the coding strand, the complement: MYOM1 is on the minus strand). VCF-style: chr18-3135583-C-G. GRCh37 (hg19) VCF-style: chr18-3135581-C-G.
Other names: c.2173G>C, p.Glu725Gln (NM_019856.2); short protein forms E725Q.
Identifiers: ClinVar variation 1372420 (VCV001372420.10), dbSNP rs201817118, ClinGen allele CA8874728.

ClinVar aggregate classification (germline): Uncertain significance. Review status: criteria provided, multiple submitters, no conflicts (2 of 4 stars). 2 submissions from 2 submitters: Uncertain significance (2). Last evaluated 2025-09-19.

Conditions:
Hypertrophic cardiomyopathy. Also called: HYPERTROPHIC MYOCARDIOPATHY. Identifiers: Orphanet 217569, MedGen C0007194, MeSH D002312, MONDO:0005045, HP:0001639.

Allele frequency attached by ClinVar (database versions not stated): TOPMed 0.00002; gnomAD 0.00004 and 0.00005; 1000 Genomes Project 30x 0.00016; 1000 Genomes Project 0.00020.
gnomAD v4.1: 11 of 1,613,834 alleles (0.00068%); highest among the groups gnomAD compares: African/African-American, 0.015%; no homozygotes.

Submissions (2):

Labcorp Genetics (formerly Invitae), Labcorp
Classification: Uncertain significance for Hypertrophic cardiomyopathy. Last evaluated: 2025-09-19. Review status: criteria provided, single submitter. Criteria: Invitae Variant Classification Sherloc (09022015). Collection method: clinical testing. Allele origin: germline.
Comment: This sequence change replaces glutamic acid, which is acidic and polar, with glutamine, which is neutral and polar, at codon 725 of the MYOM1 protein (p.Glu725Gln). This variant is present in population databases (rs201817118, gnomAD 0.02%). This variant has not been reported in the literature in individuals affected with MYOM1-related conditions. ClinVar contains an entry for this variant (Variation ID: 1372420). Invitae Evidence Modeling of protein sequence and biophysical properties (such as structural, functional, and spatial information, amino acid conservation, physicochemical variation, residue mobility, and thermodynamic stability) indicates that this missense variant is not expected to disrupt MYOM1 protein function with a negative predictive value of 80%. In summary, the available evidence is currently insufficient to determine the role of this variant in disease. Therefore, it has been classified as a Variant of Uncertain Significance.

Ambry Genetics
Classification: Uncertain significance. Last evaluated: 2022-03-25. Review status: criteria provided, single submitter. Criteria: Ambry Variant Classification Scheme 2023. Collection method: clinical testing. Allele origin: germline.
Comment: The p.E725Q variant (also known as c.2173G>C), located in coding exon 14 of the MYOM1 gene, results from a G to C substitution at nucleotide position 2173. The glutamic acid at codon 725 is replaced by glutamine, an amino acid with highly similar properties. This amino acid position is conserved. In addition, this alteration is predicted to be tolerated by in silico analysis. Since supporting evidence is limited at this time, the clinical significance of this alteration remains unclear.